The following is an entry in ClinVar:

NM_014014.5(SNRNP200):c.1370C>T (p.Ser457Leu)

Gene: SNRNP200 (small nuclear ribonucleoprotein U5 subunit 200; minus strand). Cytogenetic location: 2q11.2.
Variant type: single nucleotide variant.
Coding change: c.1370C>T on transcript NM_014014.5 (MANE Select); coding-DNA position 1370, C replaced by T.
Protein change: p.Ser457Leu; replaces serine 457 with leucine.
Molecular consequence: missense variant.
Genome position (GRCh38, 1-based): chr2:96,297,370, G>A on the plus strand (C>T on the coding strand, the complement: SNRNP200 is on the minus strand). VCF-style: chr2-96297370-G-A. GRCh37 (hg19) VCF-style: chr2-96963108-G-A.
Other names: short protein forms S457L.
Identifiers: ClinVar variation 2093714 (VCV002093714.4), dbSNP rs764275867, ClinGen allele CA1778954.
Genomic context (GRCh38, chr2:96,297,370, plus strand): 5'-ATCCAAACCAGGAGGTGAACTGAGCAGAGAACTGAAGAAAGCAATTCACTTACTTCTTCT[G>A]AGCCAAAGGGCTTGGGCTTCAGAGCAGGCACATGCACCTCTTCATAGCCCTTACGCTGGC-3'
Protein context (NP_054733.2, residues 447-467): VPALKPKPFG[Ser457Leu]EEQLLPVEKL

ClinVar aggregate classification (germline): Uncertain significance (1 of 4 stars; one submission).

Allele frequency attached by ClinVar (database versions not stated): gnomAD exomes below 0.00001; ExAC 0.00001; gnomAD 0.00001.
gnomAD v4.1: 3 of 1,613,484 alleles (0.00019%); highest among the groups gnomAD compares: Non-Finnish European, 0.00025%; no homozygotes.

Submission:

Labcorp Genetics (formerly Invitae), Labcorp
Classification: Uncertain significance. Last evaluated: 2022-03-11. Review status: criteria provided, single submitter. Criteria: Invitae Variant Classification Sherloc (09022015). Collection method: clinical testing. Allele origin: germline.
Comment: This variant has not been reported in the literature in individuals affected with SNRNP200-related conditions. This sequence change replaces serine, which is neutral and polar, with leucine, which is neutral and non-polar, at codon 457 of the SNRNP200 protein (p.Ser457Leu). This variant is present in population databases (rs764275867, gnomAD 0.002%). Algorithms developed to predict the effect of missense changes on protein structure and function (SIFT, PolyPhen-2, Align-GVGD) all suggest that this variant is likely to be tolerated. In summary, the available evidence is currently insufficient to determine the role of this variant in disease. Therefore, it has been classified as a Variant of Uncertain Significance.